The following is an entry in ClinVar:

ClinVar aggregate classification (germline): Uncertain significance. Review status: criteria provided, multiple submitters, no conflicts (2 of 4 stars). 4 submissions from 4 submitters: Uncertain significance (4). Last evaluated 2025-03-03.

Conditions:
Inborn genetic diseases. Identifiers: MedGen C0950123, MeSH D030342.
Neutral lipid storage myopathy (NLSDM). Also called: NEUTRAL LIPID STORAGE DISEASE WITHOUT ICHTHYOSIS. Identifiers: Orphanet 98908, MedGen C1853136, MONDO:0012545, OMIM 610717.

Allele frequency attached by ClinVar (database versions not stated): gnomAD exomes 0.00001 and 0.00006; gnomAD 0.00002; ExAC 0.00008; TOPMed 0.00009.
gnomAD v4.1: 21 of 1,613,958 alleles (0.0013%); highest among the groups gnomAD compares: Admixed American, 0.032%; no homozygotes.

Submissions (4):

Ambry Genetics
Classification: Uncertain significance for Inborn genetic diseases. Last evaluated: 2025-03-03. Review status: criteria provided, single submitter. Criteria: Ambry Variant Classification Scheme 2023. Collection method: clinical testing. Allele origin: germline.

Revvity Omics, Revvity
Classification: Uncertain significance for Neutral lipid storage myopathy. Last evaluated: 2024-09-24. Review status: criteria provided, single submitter. Criteria: ACMG Guidelines, 2015. Collection method: clinical testing. Allele origin: germline.

Labcorp Genetics (formerly Invitae), Labcorp
Classification: Uncertain significance for Neutral lipid storage myopathy. Last evaluated: 2022-06-27. Review status: criteria provided, single submitter. Criteria: Invitae Variant Classification Sherloc (09022015). Collection method: clinical testing. Allele origin: germline.
Comment: This sequence change replaces threonine, which is neutral and polar, with alanine, which is neutral and non-polar, at codon 210 of the PNPLA2 protein (p.Thr210Ala). This variant is present in population databases (rs769139952, gnomAD 0.05%). This variant has not been reported in the literature in individuals affected with PNPLA2-related conditions. ClinVar contains an entry for this variant (Variation ID: 571173). Algorithms developed to predict the effect of missense changes on protein structure and function (SIFT, PolyPhen-2, Align-GVGD) all suggest that this variant is likely to be disruptive. In summary, the available evidence is currently insufficient to determine the role of this variant in disease. Therefore, it has been classified as a Variant of Uncertain Significance.

Illumina Laboratory Services, Illumina
Classification: Uncertain significance for Neutral lipid storage myopathy. Last evaluated: 2018-01-12. Review status: criteria provided, single submitter. Criteria: ICSL Variant Classification Criteria 13 December 2019. Collection method: clinical testing. Allele origin: germline.

NM_020376.4(PNPLA2):c.628A>G (p.Thr210Ala)

Gene: PNPLA2 (patatin like domain 2, triacylglycerol lipase; plus strand). Cytogenetic location: 11p15.5.
Variant type: single nucleotide variant.
Coding change: c.628A>G on transcript NM_020376.4 (MANE Select); coding-DNA position 628, A replaced by G.
Protein change: p.Thr210Ala; replaces threonine 210 with alanine.
Molecular consequence: missense variant.
Genome position (GRCh38, 1-based): chr11:822,538, A>G. VCF-style: chr11-822538-A-G. GRCh37 (hg19) VCF-style: chr11-822538-A-G.
Other names: short protein forms T210A.
Identifiers: ClinVar variation 571173 (VCV000571173.13), dbSNP rs769139952, ClinGen allele CA5791072.
Genomic context (GRCh38, chr11:822,538, plus strand): 5'-GAGAGTGACATCTGTCCGCAGGACAGCTCCACCAACATCCACGAGCTGCGGGTCACCAAC[A>G]CCAGCATCCAGTTCAACCTGCGCAACCTCTACCGCCTCTCCAAGGCCCTCTTCCCGCCGG-3'
Protein context (NP_065109.1, residues 200-220): TNIHELRVTN[Thr210Ala]SIQFNLRNLY